The following is an entry in ClinVar:

ClinVar aggregate classification (germline): Uncertain significance (1 of 4 stars; one submission).

Conditions:
Neuropathy, hereditary sensory and autonomic, type 2A (HSAN2A). Also called: ACROOSTEOLYSIS, GIACCAI TYPE; ACROOSTEOLYSIS, NEUROGENIC; MORVAN DISEASE; NEUROPATHY, CONGENITAL SENSORY; NEUROPATHY, HEREDITARY SENSORY RADICULAR, AUTOSOMAL RECESSIVE; NEUROPATHY, HEREDITARY SENSORY, TYPE IIA. Identifiers: Orphanet 970, MedGen C2752089, MONDO:0024309, OMIM 201300.
Pseudohypoaldosteronism type 2C (PHA2C). Also called: Pseudohypoaldosteronism Type IIC. Identifiers: Orphanet 757, Orphanet 88940, MedGen C1840391, MONDO:0013778, OMIM 614492.

Allele frequency attached by ClinVar (database versions not stated): TOPMed 0.00001.

Submission:

Labcorp Genetics (formerly Invitae), Labcorp
Classification: Uncertain significance for Neuropathy, hereditary sensory and autonomic, type 2A; Pseudohypoaldosteronism type 2C. Last evaluated: 2022-07-02. Review status: criteria provided, single submitter. Criteria: Invitae Variant Classification Sherloc (09022015). Collection method: clinical testing. Allele origin: germline.
Comment: In summary, the available evidence is currently insufficient to determine the role of this variant in disease. Therefore, it has been classified as a Variant of Uncertain Significance. Advanced modeling of protein sequence and biophysical properties (such as structural, functional, and spatial information, amino acid conservation, physicochemical variation, residue mobility, and thermodynamic stability) performed at Invitae indicates that this missense variant is not expected to disrupt WNK1 protein function. This variant has not been reported in the literature in individuals affected with WNK1-related conditions. This variant is not present in population databases (gnomAD no frequency). This sequence change replaces asparagine, which is neutral and polar, with isoleucine, which is neutral and non-polar, at codon 1379 of the WNK1 protein (p.Asn1379Ile).

NM_018979.4(WNK1):c.3380A>T (p.Asn1127Ile)

Gene: WNK1 (WNK lysine deficient protein kinase 1; plus strand). Cytogenetic location: 12p13.33.
Variant type: single nucleotide variant.
Coding change: c.3380A>T on transcript NM_018979.4 (MANE Select); coding-DNA position 3380, A replaced by T.
Protein change: p.Asn1127Ile; replaces asparagine 1127 with isoleucine.
Molecular consequence: missense variant.
Genome position (GRCh38, 1-based): chr12:882,950, A>T. VCF-style: chr12-882950-A-T. GRCh37 (hg19) VCF-style: chr12-992116-A-T.
Other names: c.4160A>T, p.Asn1387Ile (NM_001184985.2); c.2639A>T, p.Asn880Ile (NM_014823.3); c.4136A>T, p.Asn1379Ile (NM_213655.5); short protein forms N1127I, N1387I, N880I, N1379I.
Identifiers: ClinVar variation 2013341 (VCV002013341.4), dbSNP rs1953312021, ClinGen allele CA383328532.